The following is an entry in ClinVar:

ClinVar aggregate classification (germline): Uncertain significance (1 of 4 stars; one submission).

Conditions:
Methylmalonic aciduria due to methylmalonyl-CoA mutase deficiency (MAMM). Also called: Methylmalonic aciduria, mut type. Identifiers: Orphanet 27, MedGen C1855114, MONDO:0009612, OMIM 251000.

gnomAD v4.1: 1 of 1,614,176 alleles (0.000062%); highest among the groups gnomAD compares: African/African-American, 0.0013%; no homozygotes.

Submission:

Myriad Genetics, Inc.
Classification: Uncertain significance for Methylmalonic aciduria due to methylmalonyl-CoA mutase deficiency. Last evaluated: 2025-10-10. Review status: criteria provided, single submitter. Criteria: Myriad Autosomal Dominant, Autosomal Recessive and X-Linked Classification Criteria (2023). Collection method: clinical testing. Allele origin: unknown.
Comment: NM_000255.3(MMUT):c.319A>T(I107F) is a missense variant classified as a variant of uncertain significance in the context of methylmalonic acidemia, MMUT-related. I107F has been observed in a case with relevant disease (PMID: 32719376). Relevant functional assessments of this variant are not available in the literature. I107F has not been observed in referenced population frequency databases. In summary, there is insufficient evidence to classify NM_000255.3(MMUT):c.319A>T(I107F) as pathogenic or benign. Please note: this variant was assessed in the context of healthy population screening.

Literature cited by the submitters: PubMed 32719376.

NM_000255.4(MMUT):c.319A>T (p.Ile107Phe)

Gene: MMUT (methylmalonyl-CoA mutase; minus strand). Cytogenetic location: 6p12.3.
Variant type: single nucleotide variant.
Coding change: c.319A>T on transcript NM_000255.4 (MANE Select); coding-DNA position 319, A replaced by T.
Protein change: p.Ile107Phe; replaces isoleucine 107 with phenylalanine.
Molecular consequence: missense variant.
Genome position (GRCh38, 1-based): chr6:49,459,148, T>A on the plus strand (A>T on the coding strand, the complement: MMUT is on the minus strand). VCF-style: chr6-49459148-T-A. GRCh37 (hg19) VCF-style: chr6-49426861-T-A.
Other names: short protein forms I107F.
Identifiers: ClinVar variation 5003524 (VCV005003524.1).